The following is an entry in ClinVar:

NM_004612.4(TGFBR1):c.551T>C (p.Met184Thr)

Gene: TGFBR1 (transforming growth factor beta receptor 1; plus strand). Cytogenetic location: 9q22.33.
Variant type: single nucleotide variant.
Coding change: c.551T>C on transcript NM_004612.4 (MANE Select); coding-DNA position 551, T replaced by C.
Protein change: p.Met184Thr; replaces methionine 184 with threonine.
Molecular consequence: missense variant. On other transcripts: non-coding transcript variant (4), intron variant (3).
Genome position (GRCh38, 1-based): chr9:99,132,716, T>C. VCF-style: chr9-99132716-T-C. GRCh37 (hg19) VCF-style: chr9-101894998-T-C.
Other names: c.563T>C, p.Met188Thr (NM_001306210.2, NM_001407416.1); c.551T>C, p.Met184Thr (NM_001407417.1, NM_001407435.1); c.356T>C, p.Met119Thr (NM_001407418.1, NM_001407419.1, NM_001407420.1 and 1 more transcripts); c.344T>C, p.Met115Thr (NM_001407423.1, NM_001407424.1, NM_001407425.1 and 8 more transcripts); c.305T>C, p.Met102Thr (NM_001407436.1); c.343+3616T>C (NM_001130916.3); c.98-5143T>C (NM_001407438.1); c.98-9820T>C (NM_001407437.1); short protein forms M102T, M115T, M119T, M184T, M188T.
Identifiers: ClinVar variation 3074454 (VCV003074454.2), dbSNP rs2490144943, ClinGen allele CA374228447.
Genomic context (GRCh38, chr9:99,132,716, plus strand): 5'-CTTCATTAGATCGCCCTTTTATTTCAGAGGGTACTACGTTGAAAGACTTAATTTATGATA[T>C]GACAACGTCAGGTTCTGGCTCAGGTAACATAATTGTTTCTCCTTTTTCCTAAGACATCTT-3'
Protein context (NP_004603.1, residues 174-194): GTTLKDLIYD[Met184Thr]TTSGSGSGLP

ClinVar aggregate classification (germline): Uncertain significance. Review status: criteria provided, multiple submitters, no conflicts (2 of 4 stars). 2 submissions from 2 submitters: Uncertain significance (2). Last evaluated 2025-05-21.

Conditions:
Familial thoracic aortic aneurysm and aortic dissection (TAAD). Also called: Thoracic aortic aneurysms and dissections. Identifiers: Orphanet 91387, MedGen C4707243, MONDO:0019625.
Loeys-Dietz syndrome (LDS). Identifiers: Orphanet 60030, MedGen C2697932, MONDO:0018954.

Submissions (2):

Labcorp Genetics (formerly Invitae), Labcorp
Classification: Uncertain significance for Familial thoracic aortic aneurysm and aortic dissection. Last evaluated: 2025-05-21. Review status: criteria provided, single submitter. Criteria: Invitae Variant Classification Sherloc (09022015). Collection method: clinical testing. Allele origin: germline.
Comment: This sequence change replaces methionine, which is neutral and non-polar, with threonine, which is neutral and polar, at codon 184 of the TGFBR1 protein (p.Met184Thr). This variant is not present in population databases (gnomAD no frequency). This variant has not been reported in the literature in individuals affected with TGFBR1-related conditions. ClinVar contains an entry for this variant (Variation ID: 3074454). Invitae Evidence Modeling of protein sequence and biophysical properties (such as structural, functional, and spatial information, amino acid conservation, physicochemical variation, residue mobility, and thermodynamic stability) indicates that this missense variant is not expected to disrupt TGFBR1 protein function with a negative predictive value of 95%. In summary, the available evidence is currently insufficient to determine the role of this variant in disease. Therefore, it has been classified as a Variant of Uncertain Significance.

All of Us Research Program, National Institutes of Health
Classification: Uncertain significance for Loeys-Dietz syndrome. Last evaluated: 2023-11-20. Review status: criteria provided, single submitter. Criteria: ACMG Guidelines, 2015. Collection method: clinical testing. Allele origin: germline. Inheritance: Autosomal dominant inheritance. Observed: 1 variant allele, 1 heterozygote.
Comment: This missense variant replaces methionine with threonine at codon 184 of the TGFBR1 protein. Computational prediction is inconclusive regarding the impact of this variant on protein structure and function (internally defined REVEL score threshold 0.5 < inconclusive < 0.7, PMID: 27666373). To our knowledge, functional studies have not been reported for this variant. This variant has not been reported in individuals affected with TGFBR1-related disorders in the literature. This variant has not been identified in the general population by the Genome Aggregation Database (gnomAD). The available evidence is insufficient to determine the role of this variant in disease conclusively. Therefore, this variant is classified as a Variant of Uncertain Significance.

This study involves interpretation of variants in research participants for the purpose of population health screening. Participant phenotype was not available at the time of variant classification. Additional details can be found in publication PMID: 35346344, PMCID: PMC8962531